The following is an entry in ClinVar:

ClinVar aggregate classification (germline): Uncertain significance (1 of 4 stars; one submission).

Conditions:
Cohen syndrome (COH1). Also called: PEPPER SYNDROME; Cutis verticis gyrata, retinitis pigmentosa, and sensorineural deafness. Identifiers: Orphanet 193, MedGen C0265223, MONDO:0008999, OMIM 216550.

Submission:

Labcorp Genetics (formerly Invitae), Labcorp
Classification: Uncertain significance for Cohen syndrome. Last evaluated: 2022-08-06. Review status: criteria provided, single submitter. Criteria: Invitae Variant Classification Sherloc (09022015). Collection method: clinical testing. Allele origin: germline.
Comment: In summary, the available evidence is currently insufficient to determine the role of this variant in disease. Therefore, it has been classified as a Variant of Uncertain Significance. This sequence change replaces serine, which is neutral and polar, with asparagine, which is neutral and polar, at codon 3312 of the VPS13B protein (p.Ser3312Asn). This variant is not present in population databases (gnomAD no frequency). This variant has not been reported in the literature in individuals affected with VPS13B-related conditions. Algorithms developed to predict the effect of missense changes on protein structure and function are either unavailable or do not agree on the potential impact of this missense change (SIFT: "Not Available"; PolyPhen-2: "Benign"; Align-GVGD: "Not Available").

NM_152564.5(VPS13B):c.9860G>A (p.Ser3287Asn)

Gene: VPS13B (vacuolar protein sorting 13 homolog B; plus strand). Cytogenetic location: 8q22.2.
Variant type: single nucleotide variant.
Coding change: c.9860G>A on transcript NM_152564.5 (MANE Select); coding-DNA position 9860, G replaced by A.
Protein change: p.Ser3287Asn; replaces serine 3287 with asparagine.
Molecular consequence: missense variant.
Genome position (GRCh38, 1-based): chr8:99,835,656, G>A. VCF-style: chr8-99835656-G-A. GRCh37 (hg19) VCF-style: chr8-100847884-G-A.
Other names: c.9935G>A, p.Ser3312Asn (NM_017890.5); short protein forms S3287N, S3312N.
Identifiers: ClinVar variation 1715329 (VCV001715329.5), dbSNP rs2492123976, ClinGen allele CA371784424.
Genomic context (GRCh38, chr8:99,835,656, plus strand): 5'-ATGAGCTGTATCATCAGATTTCCAGTTATCCGGACTGCAAGACCAAAGACTTACTTCCAA[G>A]CCTACTTTTGAGAGTTGAACCTCTAGATGAAGTAACAACTGAGTGGAGTGATGCCATTGA-3'
Protein context (NP_689777.3, residues 3277-3297): PDCKTKDLLP[Ser3287Asn]LLLRVEPLDE